The following is an entry in ClinVar:

ClinVar aggregate classification (germline): Uncertain significance. Review status: criteria provided, multiple submitters, no conflicts (2 of 4 stars). 2 submissions from 2 submitters: Uncertain significance (2). Last evaluated 2025-02-27.

Conditions:
Oculotrichoanal syndrome (MOTA). Also called: Manitoba Oculotrichoanal (MOTA) Syndrome; MARLES SYNDROME. Identifiers: Orphanet 2717, MedGen C1855425, MONDO:0009560, OMIM 248450.

Allele frequency attached by ClinVar (database versions not stated): gnomAD exomes 0.00001; ExAC 0.00003.
gnomAD v4.1: 10 of 1,607,296 alleles (0.00062%); highest among the groups gnomAD compares: Admixed American, 0.0085%; no homozygotes.

Submissions (2):

Labcorp Genetics (formerly Invitae), Labcorp
Classification: Uncertain significance. Last evaluated: 2025-02-27. Review status: criteria provided, single submitter. Criteria: Invitae Variant Classification Sherloc (09022015). Collection method: clinical testing. Allele origin: germline.
Comment: This sequence change replaces glycine, which is neutral and non-polar, with glutamic acid, which is acidic and polar, at codon 31 of the FREM1 protein (p.Gly31Glu). This variant is present in population databases (rs760315294, gnomAD 0.01%). This variant has not been reported in the literature in individuals affected with FREM1-related conditions. ClinVar contains an entry for this variant (Variation ID: 2444260). Invitae Evidence Modeling of protein sequence and biophysical properties (such as structural, functional, and spatial information, amino acid conservation, physicochemical variation, residue mobility, and thermodynamic stability) indicates that this missense variant is not expected to disrupt FREM1 protein function with a negative predictive value of 80%. In summary, the available evidence is currently insufficient to determine the role of this variant in disease. Therefore, it has been classified as a Variant of Uncertain Significance.

3billion
Classification: Uncertain significance for Oculotrichoanal syndrome. Last evaluated: 2023-02-23. Review status: criteria provided, single submitter. Criteria: ACMG Guidelines, 2015. Collection method: clinical testing. Allele origin: unknown. Affected: yes.
Comment: The variant is observed at an extremely low frequency in the gnomAD v2.1.1 dataset (total allele frequency: 0.002%). In silico tool predictions suggest damaging effect of the variant on gene or gene product (3Cnet: 0.61). Therefore, this variant is classified as VUS according to the recommendation of ACMG/AMP guideline.

NM_001379081.2(FREM1):c.92G>A (p.Gly31Glu)

Gene: FREM1 (FRAS1 related extracellular matrix 1; minus strand). Cytogenetic location: 9p22.3.
Variant type: single nucleotide variant.
Coding change: c.92G>A on transcript NM_001379081.2 (MANE Select); coding-DNA position 92, G replaced by A.
Protein change: p.Gly31Glu; replaces glycine 31 with glutamic acid.
Molecular consequence: missense variant. On other transcripts: non-coding transcript variant (4).
Genome position (GRCh38, 1-based): chr9:14,868,886, C>T on the plus strand (G>A on the coding strand, the complement: FREM1 is on the minus strand). VCF-style: chr9-14868886-C-T. GRCh37 (hg19) VCF-style: chr9-14868884-C-T.
Other names: c.92G>A, p.Gly31Glu (NM_001370060.1, NM_001370063.1, NM_001370065.1 and 1 more transcripts); short protein forms G31E.
Identifiers: ClinVar variation 2444260 (VCV002444260.2), dbSNP rs760315294, ClinGen allele CA4991682.